The following is an entry in ClinVar:

ClinVar aggregate classification (germline): Uncertain significance (1 of 4 stars; one submission).

Conditions:
2-aminoadipic 2-oxoadipic aciduria (AAKAD). Also called: Aminoadipic aciduria; ALPHA-AMINOADIPIC AND ALPHA-KETOADIPIC ACIDURIA. Identifiers: Orphanet 79154, MedGen C1859817, MONDO:0008774, OMIM 204750.

Allele frequency attached by ClinVar (database versions not stated): gnomAD exomes below 0.00001.
gnomAD v4.1: 2 of 1,614,110 alleles (0.00012%); highest among the groups gnomAD compares: Non-Finnish European, 0.00017%; no homozygotes.

Submission:

Labcorp Genetics (formerly Invitae), Labcorp
Classification: Uncertain significance for 2-aminoadipic 2-oxoadipic aciduria. Last evaluated: 2022-09-19. Review status: criteria provided, single submitter. Criteria: Invitae Variant Classification Sherloc (09022015). Collection method: clinical testing. Allele origin: germline.
Comment: In summary, the available evidence is currently insufficient to determine the role of this variant in disease. Therefore, it has been classified as a Variant of Uncertain Significance. Advanced modeling of protein sequence and biophysical properties (such as structural, functional, and spatial information, amino acid conservation, physicochemical variation, residue mobility, and thermodynamic stability) performed at Invitae indicates that this missense variant is not expected to disrupt DHTKD1 protein function. This variant has not been reported in the literature in individuals affected with DHTKD1-related conditions. This variant is not present in population databases (gnomAD no frequency). This sequence change replaces aspartic acid, which is acidic and polar, with asparagine, which is neutral and polar, at codon 615 of the DHTKD1 protein (p.Asp615Asn).

NM_018706.7(DHTKD1):c.1843G>A (p.Asp615Asn)

Gene: DHTKD1 (dehydrogenase E1 and transketolase domain containing 1; plus strand). Cytogenetic location: 10p14.
Variant type: single nucleotide variant.
Coding change: c.1843G>A on transcript NM_018706.7 (MANE Select); coding-DNA position 1843, G replaced by A.
Protein change: p.Asp615Asn; replaces aspartic acid 615 with asparagine.
Molecular consequence: missense variant.
Genome position (GRCh38, 1-based): chr10:12,101,128, G>A. VCF-style: chr10-12101128-G-A. GRCh37 (hg19) VCF-style: chr10-12143127-G-A.
Other names: short protein forms D615N.
Identifiers: ClinVar variation 1719780 (VCV001719780.6), dbSNP rs2491496878, ClinGen allele CA376022688.